The following is an entry in ClinVar:

NM_001244008.2(KIF1A):c.2582+121A>G

Gene: KIF1A (kinesin family member 1A; minus strand). Cytogenetic location: 2q37.3.
Variant type: single nucleotide variant.
Coding change: c.2582+121A>G on transcript NM_001244008.2 (MANE Select); 121 bases into the intron after coding-DNA position 2582, A replaced by G.
Molecular consequence: intron variant.
Genome position (GRCh38, 1-based): chr2:240,758,239, T>C on the plus strand (A>G on the coding strand, the complement: KIF1A is on the minus strand). VCF-style: chr2-240758239-T-C. GRCh37 (hg19) VCF-style: chr2-241697656-T-C.
Other names: c.2555+121A>G (NM_001379653.1, NM_001379650.1, NM_001379645.1 and 10 more transcripts); c.2657+121A>G (NM_001379635.1, NM_001330290.2, NM_001379646.1 and 2 more transcripts); c.2630+121A>G (NM_001379637.1, NM_001379648.1); c.2582+121A>G (NM_001320705.2, NM_001379638.1, NM_001330289.2).
Identifiers: ClinVar variation 682840 (VCV000682840.2), dbSNP rs59241293, ClinGen allele CA15156887.

ClinVar aggregate classification (germline): Benign. Review status: criteria provided, multiple submitters, no conflicts (2 of 4 stars). 2 submissions from 2 submitters: Benign (2). Last evaluated 2018-06-16.

Allele frequency attached by ClinVar (database versions not stated): gnomAD exomes 0.02044; gnomAD 0.05236 and 0.05413; TOPMed 0.05938; 1000 Genomes Project 0.06569; 1000 Genomes Project 30x 0.06793.
gnomAD v4.1: 28,512 of 1,133,358 alleles (2.5%); highest among the groups gnomAD compares: African/African-American, 14%; 951 homozygotes.

Submissions (2):

GeneDx
Classification: Benign. Last evaluated: 2018-06-16. Review status: criteria provided, single submitter. Criteria: GeneDx Variant Classification (06012015). Collection method: clinical testing. Allele origin: germline. Affected: yes.
Comment: This variant is considered likely benign or benign based on one or more of the following criteria: it is a conservative change, it occurs at a poorly conserved position in the protein, it is predicted to be benign by multiple in silico algorithms, and/or has population frequency not consistent with disease.

Breakthrough Genomics
Classification: Benign. Review status: criteria provided, single submitter. Criteria: ACMG Guidelines, 2015. Collection method: not provided. Allele origin: germline. Inheritance: Autosomal recessive inheritance. Affected: yes.